The following is an entry in ClinVar:

ClinVar aggregate classification (germline): Likely benign (1 of 4 stars; one submission).

Conditions:
ALMS1-related disorder. Also called: ALMS1-related condition.

gnomAD v4.1: 1 of 1,614,198 alleles (0.000062%); highest among the groups gnomAD compares: East Asian, 0.0022%; no homozygotes.

Submission:

PreventionGenetics, part of Exact Sciences
Classification: Likely benign for ALMS1-related condition. Last evaluated: 2026-05-05. Review status: criteria provided, single submitter. Criteria: ACMG Guidelines, 2015. Collection method: clinical testing. Allele origin: germline.
Comment: This variant is classified as likely benign based on ACMG/AMP sequence variant interpretation guidelines (Richards et al. 2015 PMID: 25741868, with internal and published modifications).

NM_001378454.1(ALMS1):c.7779A>G (p.Glu2593=)

Gene: ALMS1 (ALMS1 centrosome and basal body associated protein; plus strand). Cytogenetic location: 2p13.1.
Variant type: single nucleotide variant.
Coding change: c.7779A>G on transcript NM_001378454.1 (MANE Select); coding-DNA position 7779, A replaced by G.
Protein change: p.Glu2593=; no amino-acid change (glutamic acid 2593 retained).
Molecular consequence: synonymous variant.
Genome position (GRCh38, 1-based): chr2:73,489,738, A>G. VCF-style: chr2-73489738-A-G. GRCh37 (hg19) VCF-style: chr2-73716865-A-G.
Other names: c.7782A>G, p.Glu2594= (NM_015120.4).
Identifiers: ClinVar variation 4997981 (VCV004997981.1).